The following is an entry in ClinVar:

NM_004972.4(JAK2):c.2571+5A>C

Genes: INSL6 (insulin like 6; minus strand), JAK2 (Janus kinase 2; plus strand). Cytogenetic location: 9p24.1.
Variant type: single nucleotide variant.
Coding change: c.2571+5A>C on transcript NM_004972.4 (MANE Select); 5 bases into the intron after coding-DNA position 2571, A replaced by C.
Molecular consequence: intron variant.
Genome position (GRCh38, 1-based): chr9:5,081,866, A>C. VCF-style: chr9-5081866-A-C. GRCh37 (hg19) VCF-style: chr9-5081866-A-C.
Other names: c.2571+5A>C (NM_001322194.2, NM_001322195.2, NM_001322196.2); c.1356+5A>C (NM_001322198.2, NM_001322199.2); c.2124+5A>C (NM_001322204.2).
Identifiers: ClinVar variation 585092 (VCV000585092.30), dbSNP rs775085241, ClinGen allele CA4972178.

ClinVar aggregate classification (germline): Likely benign. Review status: criteria provided, multiple submitters, no conflicts (2 of 4 stars). 2 submissions from 2 submitters: Likely benign (2). Last evaluated 2025-11-19.

Conditions:
Thrombocythemia 3 (THCYT3). Also called: THROMBOCYTHEMIA 3, SOMATIC; THROMBOCYTOSIS 3. Identifiers: MedGen C3281125, MONDO:0013794, OMIM 614521.
Acquired polycythemia vera. Also called: POLYCYTHEMIA RUBRA VERA; Polycythemia vera, somatic; Suspected polycythemia vera. Identifiers: Orphanet 729, MedGen C0032463, MeSH D011087, MONDO:0009891, OMIM 263300.
Acute myeloid leukemia (AML). Also called: Leukemia, acute myeloid, somatic; Leukemia, acute myelogenous, somatic; Acute myeloid leukemia, adult; AML adult; Acute non-lymphocytic leukemia; Acute granulocytic leukemia. Identifiers: Orphanet 519, MedGen C0023467, MeSH D015470, MONDO:0018874, OMIM 601626, HP:0004808. Disease mechanism: Constitutively activated FLT3.

Allele frequency attached by ClinVar (database versions not stated): gnomAD 0.00003 and 0.00004; gnomAD exomes 0.00004 and 0.00012; TOPMed 0.00004; ExAC 0.00005.
gnomAD v4.1: 69 of 1,608,800 alleles (0.0043%); highest among the groups gnomAD compares: Non-Finnish European, 0.00059%; no homozygotes.

Submissions (2):

Labcorp Genetics (formerly Invitae), Labcorp
Classification: Likely benign. Last evaluated: 2025-11-19. Review status: criteria provided, single submitter. Criteria: Invitae Variant Classification Sherloc (09022015). Collection method: clinical testing. Allele origin: germline.

CeGaT Center for Human Genetics Tuebingen
Classification: Likely benign. Last evaluated: 2024-01-01. Review status: criteria provided, single submitter. Criteria: CeGaT Center For Human Genetics Tuebingen Variant Classification Criteria Version 2. Collection method: clinical testing. Allele origin: germline. Affected: yes. Observed: 1 variant allele.
Comment: JAK2: BP4